The following is an entry in ClinVar:

ClinVar aggregate classification (germline): Uncertain significance (1 of 4 stars; one submission).

Conditions:
Epidermolysis bullosa simplex 5B, with muscular dystrophy (EBS5B). Also called: Epidermolysis bullosa simplex with muscular dystrophy; EPIDERMOLYSIS BULLOSA SIMPLEX AND LIMB-GIRDLE MUSCULAR DYSTROPHY. Identifiers: Orphanet 257, MedGen C2931072, MONDO:0009181, OMIM 226670.
Epidermolysis bullosa simplex 5C, with pyloric atresia (EBS5C). Also called: Epidermolysis bullosa simplex with pyloric atresia; PLEC-Related Epidermolysis Bullosa with Pyloric Atresia; PLEC1-Related Epidermolysis Bullosa with Pyloric Atresia. Identifiers: Orphanet 158684, MedGen C2677349, MONDO:0012807, OMIM 612138.
Epidermolysis bullosa simplex, Ogna type (EBS5A). Also called: Pidermolysis bullosa simplex 5A, Ogna type; EPIDERMOLYSIS BULLOSA SIMPLEX 5A, OGNA TYPE. Identifiers: Orphanet 79401, MedGen C0432317, MONDO:0007555, OMIM 131950.
Autosomal recessive limb-girdle muscular dystrophy type 2Q (LGMDR17). Also called: MUSCULAR DYSTROPHY, LIMB-GIRDLE, AUTOSOMAL RECESSIVE 17. Identifiers: Orphanet 254361, MedGen C3150989, MONDO:0013390, OMIM 613723.
Epidermolysis bullosa simplex with nail dystrophy (EBS5D). Identifiers: MedGen C4225309, MONDO:0014661, OMIM 616487.

Allele frequency attached by ClinVar (database versions not stated): gnomAD 0.00001; TOPMed 0.00001.
gnomAD v4.1: 9 of 1,607,074 alleles (0.00056%); highest among the groups gnomAD compares: African/African-American, 0.0093%; 1 homozygote.

Submission:

Labcorp Genetics (formerly Invitae), Labcorp
Classification: Uncertain significance for Autosomal recessive limb-girdle muscular dystrophy type 2Q; Epidermolysis bullosa simplex, Ogna type; Epidermolysis bullosa simplex with nail dystrophy; Epidermolysis bullosa simplex 5C, with pyloric atresia; Epidermolysis bullosa simplex 5B, with muscular dystrophy. Last evaluated: 2022-08-23. Review status: criteria provided, single submitter. Criteria: Invitae Variant Classification Sherloc (09022015). Collection method: clinical testing. Allele origin: germline.
Comment: In summary, the available evidence is currently insufficient to determine the role of this variant in disease. Therefore, it has been classified as a Variant of Uncertain Significance. Algorithms developed to predict the effect of missense changes on protein structure and function (SIFT, PolyPhen-2, Align-GVGD) all suggest that this variant is likely to be tolerated. ClinVar contains an entry for this variant (Variation ID: 1051640). This variant has not been reported in the literature in individuals affected with PLEC-related conditions. The frequency data for this variant in the population databases is considered unreliable, as metrics indicate poor data quality at this position in the gnomAD database. This sequence change replaces glutamic acid, which is acidic and polar, with aspartic acid, which is acidic and polar, at codon 2306 of the PLEC protein (p.Glu2306Asp).

NM_201384.3(PLEC):c.6837G>T (p.Glu2279Asp)

Gene: PLEC (plectin; minus strand). Cytogenetic location: 8q24.3.
Variant type: single nucleotide variant.
Coding change: c.6837G>T on transcript NM_201384.3 (MANE Select); coding-DNA position 6837, G replaced by T.
Protein change: p.Glu2279Asp; replaces glutamic acid 2279 with aspartic acid.
Molecular consequence: missense variant.
Genome position (GRCh38, 1-based): chr8:143,923,092, C>A on the plus strand (G>T on the coding strand, the complement: PLEC is on the minus strand). VCF-style: chr8-143923092-C-A. GRCh37 (hg19) VCF-style: chr8-144997260-C-A.
Other names: c.6918G>T, p.Glu2306Asp (NM_000445.5); c.6795G>T, p.Glu2265Asp (NM_201378.4); c.6771G>T, p.Glu2257Asp (NM_201379.3); c.7248G>T, p.Glu2416Asp (NM_201380.4); c.6741G>T, p.Glu2247Asp (NM_201381.3); c.6837G>T, p.Glu2279Asp (NM_201382.4); c.6849G>T, p.Glu2283Asp (NM_201383.3); short protein forms E2247D, E2257D, E2265D, E2279D, E2283D, E2306D, E2416D.
Identifiers: ClinVar variation 1051640 (VCV001051640.5), dbSNP rs782723243, ClinGen allele CA4925836.